The following is an entry in ClinVar:

ClinVar aggregate classification (germline): Likely benign. Review status: criteria provided, multiple submitters, no conflicts (2 of 4 stars). 2 submissions from 2 submitters: Likely benign (2). Last evaluated 2025-06-18.

Conditions:
Mitochondrial hypertrophic cardiomyopathy with lactic acidosis due to MTO1 deficiency. Also called: Combined oxidative phosphorylation deficiency 10; CARDIOMYOPATHY, INFANTILE HYPERTROPHIC MITOCHONDRIAL, AND LACTIC ACIDOSIS. Identifiers: Orphanet 314637, MedGen C4749921, MONDO:0013865, OMIM 614702.

Allele frequency attached by ClinVar (database versions not stated): TOPMed 0.00002; ExAC 0.00003; gnomAD exomes 0.00003 and 0.00004; 1000 Genomes Project 30x 0.00016; 1000 Genomes Project 0.00020; gnomAD 0.00002.
gnomAD v4.1: 62 of 1,614,032 alleles (0.0038%); highest among the groups gnomAD compares: Admixed American, 0.01%; no homozygotes.

Submissions (2):

Labcorp Genetics (formerly Invitae), Labcorp
Classification: Likely benign for Mitochondrial hypertrophic cardiomyopathy with lactic acidosis due to MTO1 deficiency. Last evaluated: 2025-06-18. Review status: criteria provided, single submitter. Criteria: Invitae Variant Classification Sherloc (09022015). Collection method: clinical testing. Allele origin: germline.

GeneDx
Classification: Likely benign. Last evaluated: 2016-08-31. Review status: criteria provided, single submitter. Criteria: GeneDx Variant Classification (06012015). Collection method: clinical testing. Allele origin: germline. Affected: yes.
Comment: This variant is considered likely benign or benign based on one or more of the following criteria: it is a conservative change, it occurs at a poorly conserved position in the protein, it is predicted to be benign by multiple in silico algorithms, and/or has population frequency not consistent with disease.

NM_012123.4(MTO1):c.1995A>G (p.Gln665=)

Gene: MTO1 (mitochondrial tRNA translation optimization 1; plus strand). Cytogenetic location: 6q13.
Variant type: single nucleotide variant.
Coding change: c.1995A>G on transcript NM_012123.4 (MANE Select); coding-DNA position 1995, A replaced by G.
Protein change: p.Gln665=; no amino-acid change (glutamine 665 retained).
Molecular consequence: synonymous variant.
Genome position (GRCh38, 1-based): chr6:73,500,651, A>G. VCF-style: chr6-73500651-A-G. GRCh37 (hg19) VCF-style: chr6-74210374-A-G.
Other names: c.2115A>G, p.Gln705= (NM_001123226.2); c.2070A>G, p.Gln690= (NM_133645.3).
Identifiers: ClinVar variation 388644 (VCV000388644.9), dbSNP rs146878659, ClinGen allele CA3889805.